The following is an entry in ClinVar:

NM_017662.5(TRPM6):c.5434C>T (p.Arg1812Trp)

Gene: TRPM6 (transient receptor potential cation channel subfamily M member 6; minus strand). Cytogenetic location: 9q21.13.
Variant type: single nucleotide variant.
Coding change: c.5434C>T on transcript NM_017662.5 (MANE Select); coding-DNA position 5434, C replaced by T.
Protein change: p.Arg1812Trp; replaces arginine 1812 with tryptophan.
Molecular consequence: missense variant.
Genome position (GRCh38, 1-based): chr9:74,739,776, G>A on the plus strand (C>T on the coding strand, the complement: TRPM6 is on the minus strand). VCF-style: chr9-74739776-G-A. GRCh37 (hg19) VCF-style: chr9-77354692-G-A.
Other names: c.5419C>T, p.Arg1807Trp (NM_001177310.2, NM_001177311.2); short protein forms R1812W, R1807W.
Identifiers: ClinVar variation 1437028 (VCV001437028.6), dbSNP rs752556006, ClinGen allele CA5083811.

ClinVar aggregate classification (germline): Uncertain significance (1 of 4 stars; one submission).

Allele frequency attached by ClinVar (database versions not stated): gnomAD 0.00005; TOPMed 0.00009; ExAC 0.00012.
gnomAD v4.1: 44 of 1,613,852 alleles (0.0027%); highest among the groups gnomAD compares: East Asian, 0.06%; no homozygotes.

Submission:

Labcorp Genetics (formerly Invitae), Labcorp
Classification: Uncertain significance. Last evaluated: 2021-09-21. Review status: criteria provided, single submitter. Criteria: Invitae Variant Classification Sherloc (09022015). Collection method: clinical testing. Allele origin: germline.
Comment: In summary, the available evidence is currently insufficient to determine the role of this variant in disease. Therefore, it has been classified as a Variant of Uncertain Significance. Algorithms developed to predict the effect of missense changes on protein structure and function are either unavailable or do not agree on the potential impact of this missense change (SIFT: "Deleterious"; PolyPhen-2: "Possibly Damaging"; Align-GVGD: "Class C0"). This sequence change replaces arginine with tryptophan at codon 1812 of the TRPM6 protein (p.Arg1812Trp). The arginine residue is weakly conserved and there is a moderate physicochemical difference between arginine and tryptophan. This variant is present in population databases (rs752556006, ExAC 0.1%). This variant has not been reported in the literature in individuals affected with TRPM6-related conditions.